The following is an entry in ClinVar:

ClinVar aggregate classification (germline): Likely benign. Review status: criteria provided, multiple submitters, no conflicts (2 of 4 stars). 3 submissions from 3 submitters: Likely benign (3). Last evaluated 2025-11-22.

Conditions:
Dilated cardiomyopathy 1G (CMD1G). Identifiers: Orphanet 154, MedGen C1858763, MONDO:0011400, OMIM 604145.
Autosomal recessive limb-girdle muscular dystrophy type 2J (LGMDR10). Also called: Limb-girdle muscular dystrophy, type 2J; MUSCULAR DYSTROPHY, LIMB-GIRDLE, AUTOSOMAL RECESSIVE 10. Identifiers: Orphanet 140922, MedGen C1837342, MONDO:0012127, OMIM 608807.
Cardiovascular phenotype. Identifiers: MedGen CN230736.

gnomAD v4.1: 1 of 1,613,242 alleles (0.000062%); highest among the groups gnomAD compares: Non-Finnish European, 0.000085%; no homozygotes.

Submissions (3):

Labcorp Genetics (formerly Invitae), Labcorp
Classification: Likely benign for Dilated cardiomyopathy 1G; Autosomal recessive limb-girdle muscular dystrophy type 2J. Last evaluated: 2025-11-22. Review status: criteria provided, single submitter. Criteria: Invitae Variant Classification Sherloc (09022015). Collection method: clinical testing. Allele origin: germline.

CeGaT Center for Human Genetics Tuebingen
Classification: Likely benign. Last evaluated: 2022-05-01. Review status: criteria provided, single submitter. Criteria: CeGaT Center For Human Genetics Tuebingen Variant Classification Criteria Version 2. Collection method: clinical testing. Allele origin: germline. Affected: yes. Observed: 1 variant allele.
Comment: TTN: PM2:Supporting, BP4, BP7

Ambry Genetics
Classification: Likely benign for Cardiovascular phenotype. Last evaluated: 2020-11-18. Review status: criteria provided, single submitter. Criteria: Ambry Variant Classification Scheme 2023. Collection method: clinical testing. Allele origin: germline.

NM_001267550.2(TTN):c.75747C>T (p.Arg25249=)

Genes: TTN-AS1 (TTN antisense RNA 1; plus strand), TTN (titin; minus strand). Cytogenetic location: 2q31.2.
Variant type: single nucleotide variant.
Coding change: c.75747C>T on transcript NM_001267550.2 (MANE Select); coding-DNA position 75747, C replaced by T.
Protein change: p.Arg25249=; no amino-acid change (arginine 25249 retained).
Molecular consequence: synonymous variant.
Genome position (GRCh38, 1-based): chr2:178,570,385, G>A on the plus strand (C>T on the coding strand, the complement: TTN is on the minus strand). VCF-style: chr2-178570385-G-A. GRCh37 (hg19) VCF-style: chr2-179435112-G-A.
Other names: c.70824C>T, p.Arg23608= (NM_001256850.1); c.48552C>T, p.Arg16184= (NM_003319.4); c.68043C>T, p.Arg22681= (NM_133378.4); c.48927C>T, p.Arg16309= (NM_133432.3); c.49128C>T, p.Arg16376= (NM_133437.4).
Identifiers: ClinVar variation 1694987 (VCV001694987.36), dbSNP rs2154168503, ClinGen allele CA430254691.